The following is an entry in ClinVar:

ClinVar aggregate classification (germline): Likely pathogenic (1 of 4 stars; one submission).

Conditions:
Spermatogenic failure 82 (SPGF82). Identifiers: MedGen C5830468, MONDO:0957249, OMIM 620353.

Submission:

First Genomix Gene Laboratory, Genetic Diagnostics Department
Classification: Likely pathogenic for Spermatogenic failure 82. Last evaluated: 2025-09-19. Review status: criteria provided, single submitter. Criteria: ACMG Guidelines, 2015. Collection method: clinical testing. Allele origin: germline. Inheritance: Autosomal recessive inheritance. Affected: no. Observed: 1 variant allele.

NM_001278309.2(AKAP3):c.871_872del (p.Ser291fs)

Genes: AKAP3 (A-kinase anchoring protein 3; minus strand), LOC120807612 (CDK7 strongly-dependent group 2 enhancer GRCh37_chr12:4737023-4738222; plus strand). Cytogenetic location: 12p13.32.
Variant type: Deletion.
Coding change: c.871_872del on transcript NM_001278309.2 (MANE Select); coding-DNA positions 871 to 872, 2 bases deleted (AG; older notation c.871_872delAG).
Protein change: p.Ser291fs; shifts the reading frame from serine 291.
Molecular consequence: frameshift variant.
Genome position (GRCh38, 1-based): chr12:4,628,030-4,628,031, CT deleted on the plus strand (AG on the coding strand, the reverse complement: AKAP3 is on the minus strand). VCF-style (leftmost placement, unchanged base first): chr12-4628029-ACT-A. GRCh37 (hg19) VCF-style: chr12-4737195-ACT-A.
Other names: c.871_872del, p.Ser291fs (NM_006422.4); short protein forms S291fs.
Identifiers: ClinVar variation 4850301 (VCV004850301.1).